The following is an entry in ClinVar:

ClinVar aggregate classification (germline): Uncertain significance (1 of 4 stars; one submission).

Conditions:
Cardiomyopathy (CMYO). Also called: Cardiomyopathies. Identifiers: Orphanet 167848, MedGen C0878544, MONDO:0004994, HP:0001638. Inheritance: Various modes of inheritance.

Submission:

Color Diagnostics, LLC DBA Color Health
Classification: Uncertain significance for Cardiomyopathy. Last evaluated: 2023-12-05. Review status: criteria provided, single submitter. Criteria: ACMG Guidelines, 2015. Collection method: clinical testing. Allele origin: germline.
Comment: Variant of Uncertain Significance due to insufficient evidence: This missense variant is located in the tropomyosin binding domain 1 of the TNNT2 protein. Computational prediction tools and conservation analyses suggest that this variant may have deleterious impact on the protein function. Computational splicing tools suggest that this variant may not impact RNA splicing. To our knowledge, functional assays have not been performed for this variant nor has this variant been reported in individuals affected with cardiovascular disorders in the literature. This variant is rare in the general population and has been identified in 0/277264 chromosomes by the Genome Aggregation Database (gnomAD). Available evidence is insufficient to determine the pathogenicity of this variant conclusively.

NM_001276345.2(TNNT2):c.374A>T (p.Lys125Ile)

Gene: TNNT2 (troponin T2, cardiac type; minus strand). Cytogenetic location: 1q32.1.
Variant type: single nucleotide variant.
Coding change: c.374A>T on transcript NM_001276345.2 (MANE Select); coding-DNA position 374, A replaced by T.
Protein change: p.Lys125Ile; replaces lysine 125 with isoleucine.
Molecular consequence: missense variant. On other transcripts: intron variant (1).
Genome position (GRCh38, 1-based): chr1:201,365,228, T>A on the plus strand (A>T on the coding strand, the complement: TNNT2 is on the minus strand). VCF-style: chr1-201365228-T-A. GRCh37 (hg19) VCF-style: chr1-201334356-T-A.
Other names: c.374A>T, p.Lys125Ile (NM_000364.4); c.344A>T, p.Lys115Ile (NM_001001430.3, NM_001001431.3, NM_001276347.2); c.329A>T, p.Lys110Ile (NM_001001432.3); c.291+382A>T (NM_001276346.2); short protein forms K125I, K115I, K110I.
Identifiers: ClinVar variation 629593 (VCV000629593.4), dbSNP rs1558230900, ClinGen allele CA344206298.